The following is an entry in ClinVar:

NM_181458.4(PAX3):c.484T>C (p.Phe162Leu)

Gene: PAX3 (paired box 3; minus strand). Cytogenetic location: 2q36.1.
Variant type: single nucleotide variant.
Coding change: c.484T>C on transcript NM_181458.4 (MANE Select); coding-DNA position 484, T replaced by C.
Protein change: p.Phe162Leu; replaces phenylalanine 162 with leucine.
Molecular consequence: missense variant.
Genome position (GRCh38, 1-based): chr2:222,294,269, A>G on the plus strand (T>C on the coding strand, the complement: PAX3 is on the minus strand). VCF-style: chr2-222294269-A-G. GRCh37 (hg19) VCF-style: chr2-223158988-A-G.
Other names: c.484T>C, p.Phe162Leu (NM_000438.6, NM_013942.5, NM_181457.4 and 3 more transcripts); c.481T>C, p.Phe161Leu (NM_001127366.3); c.484T>C (NM_181457.3); short protein forms F161L, F162L.
Identifiers: ClinVar variation 1502489 (VCV001502489.8), dbSNP rs148977636, ClinGen allele CA2135714.

ClinVar aggregate classification (germline): Uncertain significance. Review status: criteria provided, multiple submitters, no conflicts (2 of 4 stars). 2 submissions from 2 submitters: Uncertain significance (2). Last evaluated 2023-04-26.

Conditions:
PAX3-related disorder. Also called: PAX3-related condition.

Allele frequency attached by ClinVar (database versions not stated): gnomAD exomes below 0.00001 and 0.00002; ExAC 0.00002; ESP Exome Variant Server 0.00008; gnomAD 0.00008 and 0.00009.
gnomAD v4.1: 19 of 1,613,934 alleles (0.0012%); highest among the groups gnomAD compares: African/African-American, 0.02%; no homozygotes.

Submissions (2):

PreventionGenetics, part of Exact Sciences
Classification: Uncertain significance for PAX3-related condition. Last evaluated: 2023-04-26. Review status: criteria provided, single submitter. Criteria: ACMG Guidelines, 2015. Collection method: clinical testing. Allele origin: germline.
Comment: The PAX3 c.484T>C variant is predicted to result in the amino acid substitution p.Phe162Leu. To our knowledge, this variant has not been reported in the literature. This variant is reported in 0.020% of alleles in individuals of African descent in gnomAD. At this time, the clinical significance of this variant is uncertain due to the absence of conclusive functional and genetic evidence.

Labcorp Genetics (formerly Invitae), Labcorp
Classification: Uncertain significance. Last evaluated: 2021-07-18. Review status: criteria provided, single submitter. Criteria: Invitae Variant Classification Sherloc (09022015). Collection method: clinical testing. Allele origin: germline.
Comment: Algorithms developed to predict the effect of missense changes on protein structure and function are either unavailable or do not agree on the potential impact of this missense change (SIFT: "Deleterious"; PolyPhen-2: "Benign"; Align-GVGD: "Class C0"). In summary, the available evidence is currently insufficient to determine the role of this variant in disease. Therefore, it has been classified as a Variant of Uncertain Significance. This variant has not been reported in the literature in individuals affected with PAX3-related conditions. This variant is present in population databases (rs148977636, ExAC 0.02%). This sequence change replaces phenylalanine with leucine at codon 162 of the PAX3 protein (p.Phe162Leu). The phenylalanine residue is highly conserved and there is a small physicochemical difference between phenylalanine and leucine.